The following is an entry in ClinVar:

NM_000070.3(CAPN3):c.440G>A (p.Arg147Gln)

Genes: CAPN3 (calpain 3; plus strand), LOC126862115 (BRD4-independent group 4 enhancer GRCh37_chr15:42677734-42678933; plus strand). Cytogenetic location: 15q15.1.
Variant type: single nucleotide variant.
Coding change: c.440G>A on transcript NM_000070.3 (MANE Select); coding-DNA position 440, G replaced by A.
Protein change: p.Arg147Gln; replaces arginine 147 with glutamine.
Molecular consequence: missense variant.
Genome position (GRCh38, 1-based): chr15:42,386,227, G>A. VCF-style: chr15-42386227-G-A. GRCh37 (hg19) VCF-style: chr15-42678425-G-A.
Other names: c.440G>A, p.Arg147Gln (NM_024344.2, NM_173087.2); short protein forms R147Q.
Identifiers: ClinVar variation 552291 (VCV000552291.11), dbSNP rs139671324, ClinGen allele CA7511015.

ClinVar aggregate classification (germline): Uncertain significance. Review status: criteria provided, multiple submitters, no conflicts (2 of 4 stars). 5 submissions from 5 submitters: Uncertain significance (4). 1 of the submissions does not count toward it. Last evaluated 2025-01-13.

Conditions:
Muscular dystrophy, limb-girdle, autosomal dominant 4. Also called: Calpain-3-related limb-girdle muscular dystrophy D4; MUSCULAR DYSTROPHY, LIMB-GIRDLE, TYPE 1I. Identifiers: Orphanet 565909, MedGen C4748295, MONDO:0029133, OMIM 618129.
Autosomal recessive limb-girdle muscular dystrophy type 2A (LGMDR1). Also called: LEYDEN-MOEBIUS MUSCULAR DYSTROPHY; MUSCULAR DYSTROPHY, PELVOFEMORAL; Limb-girdle muscular dystrophy, type 2A; Calpainopathy; Muscular dystrophy, limb-girdle, type 2A, Amish. Identifiers: Orphanet 267, MedGen C1869123, MONDO:0009675, OMIM 253600. Disease mechanism: loss of function.

Allele frequency attached by ClinVar (database versions not stated): gnomAD 0.00002 and 0.00003; gnomAD exomes 0.00002 and 0.00003; ExAC 0.00003; TOPMed 0.00004; ESP Exome Variant Server 0.00008.

Submissions (5):

GeneDx
Classification: Uncertain significance. Last evaluated: 2025-01-13. Review status: criteria provided, single submitter. Criteria: GeneDx Variant Classification Process June 2021. Collection method: clinical testing. Allele origin: germline. Affected: yes.
Comment: In silico analysis supports that this missense variant has a deleterious effect on protein structure/function; This variant is associated with the following publications: (PMID: 32896923, 27259757, 28881388, 33337384, 32557990, 32342993, 27363342, 17596655, 10567047, 2725975, 17994539)

Labcorp Genetics (formerly Invitae), Labcorp
Classification: Uncertain significance for Autosomal recessive limb-girdle muscular dystrophy type 2A. Last evaluated: 2024-12-16. Review status: criteria provided, single submitter. Criteria: Invitae Variant Classification Sherloc (09022015). Collection method: clinical testing. Allele origin: germline.
Comment: This sequence change replaces arginine, which is basic and polar, with glutamine, which is neutral and polar, at codon 147 of the CAPN3 protein (p.Arg147Gln). This variant is present in population databases (rs139671324, gnomAD 0.02%). This missense change has been observed in individual(s) with autosomal recessive limb-girdle muscular dystrophy (PMID: 17994539, 33337384). ClinVar contains an entry for this variant (Variation ID: 552291). Invitae Evidence Modeling of protein sequence and biophysical properties (such as structural, functional, and spatial information, amino acid conservation, physicochemical variation, residue mobility, and thermodynamic stability) indicates that this missense variant is not expected to disrupt CAPN3 protein function with a negative predictive value of 80%. In summary, the available evidence is currently insufficient to determine the role of this variant in disease. Therefore, it has been classified as a Variant of Uncertain Significance.

Women's Health and Genetics/Laboratory Corporation of America, LabCorp
Classification: Uncertain significance. Last evaluated: 2022-11-15. Review status: criteria provided, single submitter. Criteria: LabCorp Variant Classification Summary - May 2015. Collection method: clinical testing. Allele origin: germline.
Comment: Variant summary: CAPN3 c.440G>A (p.Arg147Gln) results in a conservative amino acid change located in the Peptidase C2, calpain, catalytic domain (IPR001300) of the encoded protein sequence. Three of five in-silico tools predict a damaging effect of the variant on protein function. The variant allele was found at a frequency of 2.8e-05 in 251430 control chromosomes (gnomAD). c.440G>A has been reported in the literature as a compound heterozygous genotype in individuals affected with Limb-Girdle Muscular Dystrophy, Autosomal Recessive (Pathak_2021 and Guglieri_2008). These data indicate that the variant may be associated with disease. To our knowledge, no experimental evidence demonstrating an impact on protein function has been reported. Two clinical diagnostic laboratories have submitted clinical-significance assessments for this variant to ClinVar after 2014 without evidence for independent evaluation. All laboratories classified the variant as uncertain significance. Based on the evidence outlined above, the variant was classified as VUS-possibly pathogenic.

Victorian Clinical Genetics Services, Murdoch Childrens Research Institute
Classification: Uncertain significance for Muscular dystrophy, limb-girdle, autosomal dominant 4. Last evaluated: 2021-05-06. Review status: criteria provided, single submitter. Criteria: ACMG Guidelines, 2015. Collection method: clinical testing. Allele origin: germline. Affected: yes.
Comment: Based on the classification scheme VCGS_Germline_v1.3.4, this variant is classified as VUS-3A. Following criteria are met: 0103 - Loss of function is known mechanism of disease in this gene and are associated with autosomal recessive limb-girdle muscular dystrophy 1 (MIM#253600), while dominant-negative is the suggested mechanism for autosomal dominant limb-girdle muscular dystrophy 4 (MIM#618129) (PMID: 2725975, 28881388, 32342993). (I) 0108 - This gene is associated with both recessive and dominant disease. AD inheritance is rare, however emerging literature reports both missense and small in-frame deletion segregating with disease in families. In addition, AD variants are associated with milder and later-onset phenotypes (PMID: 27259757, 28881388, 32557990, 32896923, 32342993). (I) 0200 - Variant is predicted to result in a missense amino acid change from arginine to glutamine. (I) 0251 - This variant is heterozygous. (I) 0304 - Variant is present in gnomAD <0.01 for a recessive condition (v2: 7 heterozygotes, 0 homozygotes). (SP) 0502 - Missense variant with conflicting in silico predictions and uninformative conservation. (I) 0600 - Variant is located in the annotated Peptidase C2 catalytic domain (NCBI, PDB). (I) 0704 - Another missense variant comparable to the one identified in this case has limited previous evidence for pathogenicity. p.(Arg147Pro) was identified in a compound heterozygous state in a patient with limb-girdle muscular dystrophy. It has also been reported in a heterozygous state where the second allele was not identified (PMID: 17596655, 10567047, 27363342). (SP) 0808 - Previous reports of pathogenicity for this variant are conflicting. This variant has been reported in a compound heterozygote individual with autosomal recessive limb-girdle muscular dystrophy 1 (MIM#253600). However, it has been classified as a VUS by a diagnostic laboratory in ClinVar (ClinVar; PMID: 17994539). (I) 0905 - No published segregation evidence has been identified for this variant. (I) 1007 - No published functional evidence has been identified for this variant. (I) Legend: (SP) - Supporting pathogenic, (I) - Information, (SB) - Supporting benign

Counsyl
Classification: Uncertain significance for Autosomal recessive limb-girdle muscular dystrophy type 2A. Last evaluated: 2017-06-02. Review status: no assertion criteria provided. Collection method: clinical testing. Allele origin: unknown. Not counted in ClinVar's aggregate classification.

Literature cited by the submitters: PubMed 17994539 (cited by 4 submitters); PubMed 33337384 (cited by Labcorp Genetics (formerly Invitae), Labcorp and Women's Health and Genetics/Laboratory Corporation of America, LabCorp); PubMed 10567047 (cited by Victorian Clinical Genetics Services, Murdoch Childrens Research Institute); PubMed 17596655 (cited by Victorian Clinical Genetics Services, Murdoch Childrens Research Institute); PubMed 27259757 (cited by Victorian Clinical Genetics Services, Murdoch Childrens Research Institute); PubMed 27363342 (cited by Victorian Clinical Genetics Services, Murdoch Childrens Research Institute); PubMed 28881388 (cited by Victorian Clinical Genetics Services, Murdoch Childrens Research Institute); PubMed 32342993 (cited by Victorian Clinical Genetics Services, Murdoch Childrens Research Institute); PubMed 32557990 (cited by Victorian Clinical Genetics Services, Murdoch Childrens Research Institute); PubMed 32896923 (cited by Victorian Clinical Genetics Services, Murdoch Childrens Research Institute); PubMed 2725975 (cited by Victorian Clinical Genetics Services, Murdoch Childrens Research Institute).